The following is an entry in ClinVar:

ClinVar aggregate classification (germline): Uncertain significance (1 of 4 stars; one submission).

Conditions:
Hypertrophic cardiomyopathy. Also called: HYPERTROPHIC MYOCARDIOPATHY. Identifiers: Orphanet 217569, MedGen C0007194, MeSH D002312, MONDO:0005045, HP:0001639.

Submission:

All of Us Research Program, National Institutes of Health
Classification: Uncertain significance for Hypertrophic cardiomyopathy. Last evaluated: 2024-04-16. Review status: criteria provided, single submitter. Criteria: ACMG Guidelines, 2015. Collection method: clinical testing. Allele origin: germline. Inheritance: Autosomal dominant inheritance. Observed: 1 variant allele, 1 heterozygote.
Comment: This missense variant replaces aspartic acid with asparagine at codon 344 of the MYBPC3 protein. Computational prediction is inconclusive regarding the impact of this variant on protein structure and function (internally defined REVEL score threshold 0.5 < inconclusive < 0.7, PMID: 27666373). To our knowledge, functional studies have not been reported for this variant. This variant has not been reported in individuals affected with MYBPC3-related disorders in the literature. This variant has not been identified in the general population by the Genome Aggregation Database (gnomAD). The available evidence is insufficient to determine the role of this variant in disease conclusively. Therefore, this variant is classified as a Variant of Uncertain Significance.

This study involves interpretation of variants in research participants for the purpose of population health screening. Participant phenotype was not available at the time of variant classification. Additional details can be found in publication PMID: 35346344, PMCID: PMC8962531

NM_000256.3(MYBPC3):c.1030G>A (p.Asp344Asn)

Gene: MYBPC3 (myosin binding protein C3; minus strand). Cytogenetic location: 11p11.2.
Variant type: single nucleotide variant.
Coding change: c.1030G>A on transcript NM_000256.3 (MANE Select); coding-DNA position 1030, G replaced by A.
Protein change: p.Asp344Asn; replaces aspartic acid 344 with asparagine.
Molecular consequence: missense variant.
Genome position (GRCh38, 1-based): chr11:47,346,267, C>T on the plus strand (G>A on the coding strand, the complement: MYBPC3 is on the minus strand). VCF-style: chr11-47346267-C-T. GRCh37 (hg19) VCF-style: chr11-47367818-C-T.
Other names: short protein forms D344N.
Identifiers: ClinVar variation 3387138 (VCV003387138.1).